The following is an entry in ClinVar:

NM_006231.4(POLE):c.5881G>A (p.Gly1961Arg)

Gene: POLE (DNA polymerase epsilon, catalytic subunit; minus strand). Cytogenetic location: 12q24.33.
Variant type: single nucleotide variant.
Coding change: c.5881G>A on transcript NM_006231.4 (MANE Select); coding-DNA position 5881, G replaced by A.
Protein change: p.Gly1961Arg; replaces glycine 1961 with arginine.
Molecular consequence: missense variant.
Genome position (GRCh38, 1-based): chr12:132,634,309, C>T on the plus strand (G>A on the coding strand, the complement: POLE is on the minus strand). VCF-style: chr12-132634309-C-T. GRCh37 (hg19) VCF-style: chr12-133210895-C-T.
Other names: c.5881G>A (NM_006231.2); short protein forms G1961R.
Identifiers: ClinVar variation 2107933 (VCV002107933.5), dbSNP rs751554656, ClinGen allele CA6892348.
Genomic context (GRCh38, chr12:132,634,309, plus strand): 5'-TCCAGTTGTTTTCCAGTAAATCCTCCACGTTGGATTCCTCCGCCTCTTCCTCCTCCTCCC[C>T]ATCTCTTTCCTCCTCATCGTCCTCATTTTCCTGCTCATCCTCTGCTCCCCCTGCTTTCTG-3'
Protein context (NP_006222.2, residues 1951-1971): ENEDDEEERD[Gly1961Arg]EEEEEAEESN

ClinVar aggregate classification (germline): Uncertain significance. Review status: criteria provided, multiple submitters, no conflicts (2 of 4 stars). 2 submissions from 2 submitters: Uncertain significance (2). Last evaluated 2025-04-13.

Conditions:
Hereditary cancer-predisposing syndrome. Also called: Neoplastic Syndromes, Hereditary; Hereditary Cancer Syndrome; Hereditary neoplastic syndrome; Tumor predisposition. Identifiers: Orphanet 140162, MedGen C0027672, MeSH D009386, MONDO:0015356.

Allele frequency attached by ClinVar (database versions not stated): gnomAD exomes below 0.00001; ExAC 0.00001.
gnomAD v4.1: 1 of 1,614,192 alleles (0.000062%); highest among the groups gnomAD compares: Non-Finnish European, 0.000085%; no homozygotes.

Submissions (2):

Ambry Genetics
Classification: Uncertain significance for Hereditary cancer-predisposing syndrome. Last evaluated: 2025-04-13. Review status: criteria provided, single submitter. Criteria: Ambry Variant Classification Scheme 2023. Collection method: clinical testing. Allele origin: germline.
Comment: The p.G1961R variant (also known as c.5881G>A), located in coding exon 43 of the POLE gene, results from a G to A substitution at nucleotide position 5881. The glycine at codon 1961 is replaced by arginine, an amino acid with dissimilar properties. This amino acid position is conserved. In addition, this alteration is predicted to be tolerated by in silico analysis. Based on the available evidence, the clinical significance of this variant remains unclear.

Labcorp Genetics (formerly Invitae), Labcorp
Classification: Uncertain significance. Last evaluated: 2023-07-24. Review status: criteria provided, single submitter. Criteria: Invitae Variant Classification Sherloc (09022015). Collection method: clinical testing. Allele origin: germline.
Comment: In summary, the available evidence is currently insufficient to determine the role of this variant in disease. Therefore, it has been classified as a Variant of Uncertain Significance. This sequence change replaces glycine, which is neutral and non-polar, with arginine, which is basic and polar, at codon 1961 of the POLE protein (p.Gly1961Arg). This variant is present in population databases (rs751554656, gnomAD 0.0009%). This variant has not been reported in the literature in individuals affected with POLE-related conditions. ClinVar contains an entry for this variant (Variation ID: 2107933). An algorithm developed to predict the effect of missense changes on protein structure and function (PolyPhen-2) suggests that this variant is likely to be tolerated.